The following is an entry in ClinVar:

NM_000108.5(DLD):c.898A>T (p.Lys300Ter)

Gene: DLD (dihydrolipoamide dehydrogenase; plus strand). Cytogenetic location: 7q31.1.
Variant type: single nucleotide variant.
Coding change: c.898A>T on transcript NM_000108.5 (MANE Select); coding-DNA position 898, A replaced by T.
Protein change: p.Lys300Ter; replaces lysine 300 with a stop codon.
Molecular consequence: nonsense.
Genome position (GRCh38, 1-based): chr7:107,916,816, A>T. VCF-style: chr7-107916816-A-T. GRCh37 (hg19) VCF-style: chr7-107557261-A-T.
Other names: c.601A>T, p.Lys201Ter (NM_001289750.1); c.829A>T, p.Lys277Ter (NM_001289751.1); c.754A>T, p.Lys252Ter (NM_001289752.1); short protein forms K201*, K252*, K277*, K300*.
Identifiers: ClinVar variation 1724493 (VCV001724493.2), dbSNP rs2535601005, ClinGen allele CA368857487.
Genomic context (GRCh38, chr7:107,916,816, plus strand): 5'-GGTGTGTATTTAACATTTATACACTGTTTGTTATCTAGTATTGAAGCTGCTTCTGGTGGT[A>T]AAGCTGAAGTTATCACTTGTGATGTACTCTTGGTTTGCATTGGCCGACGACCCTTTACTA-3'

ClinVar aggregate classification (germline): Likely pathogenic (1 of 4 stars; one submission).

Conditions:
Pyruvate dehydrogenase E3 deficiency (DLDD). Also called: Dihydrolipoamide Dehydrogenase (E3) Deficiency; Lipoamide dehydrogenase deficiency, lactic acidosis due to; Lipoamide dehydrogenase deficiency; DLD DEFICIENCY; E3 DEFICIENCY; Dihydrolipoamide Dehydrogenase Deficiency. Identifiers: Orphanet 2394, Orphanet 765, MedGen C5574660, MONDO:0009529, OMIM 246900.

Submission:

Myriad Genetics, Inc.
Classification: Likely pathogenic for Pyruvate dehydrogenase E3 deficiency. Last evaluated: 2022-02-17. Review status: criteria provided, single submitter. Criteria: Myriad Women's Health Autosomal Recessive and X-Linked Classification Criteria (2021). Collection method: clinical testing. Allele origin: unknown.
Comment: NM_000108.3(DLD):c.898A>T(K300*) is expected to be pathogenic in the context of dihydrolipoamide dehydrogenase deficiency. This variant is predicted to lead to an abnormal or absent protein product due to the creation of a premature termination codon in DLD, a gene where loss-of-function variants are known to be pathogenic. Please note: this variant was assessed in the context of healthy population screening.